The following is an entry in ClinVar:

NM_000138.5(FBN1):c.6695G>C (p.Cys2232Ser)

Gene: FBN1 (fibrillin 1; minus strand). Cytogenetic location: 15q21.1.
Variant type: single nucleotide variant.
Coding change: c.6695G>C on transcript NM_000138.5 (MANE Select); coding-DNA position 6695, G replaced by C.
Protein change: p.Cys2232Ser; replaces cysteine 2232 with serine.
Molecular consequence: missense variant.
Genome position (GRCh38, 1-based): chr15:48,432,910, C>G on the plus strand (G>C on the coding strand, the complement: FBN1 is on the minus strand). VCF-style: chr15-48432910-C-G. GRCh37 (hg19) VCF-style: chr15-48725107-C-G.
Other names: short protein forms C2232S.
Identifiers: ClinVar variation 1163968 (VCV001163968.21), dbSNP rs1060501054, ClinGen allele CA392333387.

ClinVar aggregate classification (germline): Pathogenic/Likely pathogenic. Review status: criteria provided, multiple submitters, no conflicts (2 of 4 stars). 2 submissions from 2 submitters: Pathogenic (1); Likely pathogenic (1). Last evaluated 2021-03-24.

Conditions:
Marfan syndrome (MFS). Also called: Marfan syndrome type 1; Marfan's syndrome; Marfan syndrome, classic; MARFAN SYNDROME, TYPE I; FBN1-Related Marfan Syndrome. Identifiers: Orphanet 284963, Orphanet 558, MedGen C0024796, MONDO:0007947, OMIM 154700.

Submissions (2):

Mayo Clinic Laboratories, Mayo Clinic
Classification: Likely pathogenic. Last evaluated: 2021-03-24. Review status: criteria provided, single submitter. Criteria: ACMG Guidelines, 2015. Collection method: clinical testing. Allele origin: germline. Observed: 1 variant allele.
Comment: PM1, PS4_supporting, PM2_supporting, PM5, PP2, PP3

Centre of Medical Genetics, University of Antwerp
Classification: Pathogenic for Marfan syndrome. Last evaluated: 2021-03-01. Review status: criteria provided, single submitter. Criteria: Submitter's publication. Collection method: research. Allele origin: unknown. Affected: yes.
Comment: PM2, PVS2, PP4

Literature cited by the submitters: PubMed 25907466 (cited by Mayo Clinic Laboratories, Mayo Clinic).